The following is an entry in ClinVar:

ClinVar aggregate classification (germline): Benign/Likely benign. Review status: criteria provided, multiple submitters, no conflicts (2 of 4 stars). 3 submissions from 3 submitters: Benign (1); Likely benign (2). Last evaluated 2024-03-22.

Conditions:
Hereditary cancer-predisposing syndrome. Also called: Hereditary Cancer Syndrome; Neoplastic Syndromes, Hereditary; Hereditary neoplastic syndrome; Tumor predisposition. Identifiers: Orphanet 140162, MedGen C0027672, MeSH D009386, MONDO:0015356.
Familial adenomatous polyposis 1 (FAP1). Also called: FAMILIAL ADENOMATOUS POLYPOSIS 1, ATTENUATED; POLYPOSIS, ADENOMATOUS INTESTINAL. Identifiers: MedGen C2713442, MONDO:0021056, OMIM 175100. Disease mechanism: loss of function.

Submissions (3):

Myriad Genetics, Inc.
Classification: Benign for Familial adenomatous polyposis 1. Last evaluated: 2024-03-22. Review status: criteria provided, single submitter. Criteria: Myriad Autosomal Dominant, Autosomal Recessive and X-Linked Classification Criteria (2023). Collection method: clinical testing. Allele origin: unknown.
Comment: This variant is considered benign. This variant is a silent/synonymous amino acid change and it is not expected to impact splicing.

Labcorp Genetics (formerly Invitae), Labcorp
Classification: Likely benign for Familial adenomatous polyposis 1. Last evaluated: 2023-08-07. Review status: criteria provided, single submitter. Criteria: Invitae Variant Classification Sherloc (09022015). Collection method: clinical testing. Allele origin: germline.

Color Diagnostics, LLC DBA Color Health
Classification: Likely benign for Hereditary cancer-predisposing syndrome. Last evaluated: 2022-03-28. Review status: criteria provided, single submitter. Criteria: ACMG Guidelines, 2015. Collection method: clinical testing. Allele origin: germline.

NM_000038.6(APC):c.3864A>G (p.Gly1288=)

Gene: APC (APC regulator of Wnt signaling pathway; plus strand). Cytogenetic location: 5q22.2.
Variant type: single nucleotide variant.
Coding change: c.3864A>G on transcript NM_000038.6 (MANE Select); coding-DNA position 3864, A replaced by G.
Protein change: p.Gly1288=; no amino-acid change (glycine 1288 retained).
Molecular consequence: synonymous variant.
Genome position (GRCh38, 1-based): chr5:112,839,458, A>G. VCF-style: chr5-112839458-A-G. GRCh37 (hg19) VCF-style: chr5-112175155-A-G.
Other names: c.3864A>G, p.Gly1288= (NM_001127510.3, NM_001354895.2); c.3810A>G, p.Gly1270= (NM_001127511.3); c.3918A>G, p.Gly1306= (NM_001354896.2); c.3894A>G, p.Gly1298= (NM_001354897.2); c.3789A>G, p.Gly1263= (NM_001354898.2); c.3780A>G, p.Gly1260= (NM_001354899.2); c.3741A>G, p.Gly1247= (NM_001354900.2); c.3687A>G, p.Gly1229= (NM_001354901.2); and 5 more.
Identifiers: ClinVar variation 1094437 (VCV001094437.13), dbSNP rs2149900810, ClinGen allele CA445963755.
Genomic context (GRCh38, chr5:112,839,458, plus strand): 5'-AATATGTTTTTCAAGATGTAGTTCATTATCATCTTTGTCATCAGCTGAAGATGAAATAGG[A>G]TGTAATCAGACGACACAGGAAGCAGATTCTGCTAATACCCTGCAAATAGCAGAAATAAAA-3'
Protein context (NP_000029.2, residues 1278-1298): SSLSSAEDEI[Gly1288=]CNQTTQEADS